The following is an entry in ClinVar:

ClinVar aggregate classification (germline): Pathogenic (1 of 4 stars; one submission).

Conditions:
Hereditary breast ovarian cancer syndrome. Also called: Hereditary breast and ovarian cancer; Breast and ovarian cancer; Hereditary breast and/or ovarian cancer syndrome; Hereditary breast and ovarian cancer syndrome; Hereditary breast and ovarian cancer syndrome (HBOC); BRCA1- and BRCA2-Associated Hereditary Breast and Ovarian Cancer. Identifiers: Orphanet 145, MedGen C0677776, MeSH D061325, MONDO:0003582. Disease mechanism: loss of function.

Submission:

Labcorp Genetics (formerly Invitae), Labcorp
Classification: Pathogenic for Hereditary breast ovarian cancer syndrome. Last evaluated: 2022-03-08. Review status: criteria provided, single submitter. Criteria: Invitae Variant Classification Sherloc (09022015). Collection method: clinical testing. Allele origin: germline.
Comment: This variant is not present in population databases (gnomAD no frequency). This sequence change creates a premature translational stop signal (p.Ala2857Metfs*9) in the BRCA2 gene. It is expected to result in an absent or disrupted protein product. Loss-of-function variants in BRCA2 are known to be pathogenic (PMID: 20104584). For these reasons, this variant has been classified as Pathogenic. ClinVar contains an entry for this variant (Variation ID: 861777). This variant has not been reported in the literature in individuals affected with BRCA2-related conditions.

Literature cited by the submitters: PubMed 20104584.

NM_000059.4(BRCA2):c.8561_8568dup (p.Ala2857fs)

Gene: BRCA2 (BRCA2 DNA repair associated; plus strand). Cytogenetic location: 13q13.1.
Variant type: Duplication.
Coding change: c.8561_8568dup on transcript NM_000059.4 (MANE Select); coding-DNA positions 8561 to 8568, 8 bases duplicated (ATGTGGAG; older notation c.8561_8568dupATGTGGAG).
Protein change: p.Ala2857fs; shifts the reading frame from alanine 2857.
Molecular consequence: frameshift variant.
Genome position (GRCh38, 1-based): chr13:32,371,029-32,371,036, ATGTGGAG duplicated. VCF-style (leftmost placement, unchanged base first): chr13-32371028-T-TATGTGGAG. GRCh37 (hg19) VCF-style: chr13-32945165-T-TATGTGGAG.
Other names: short protein forms A2857fs.
Identifiers: ClinVar variation 861777 (VCV000861777.8), dbSNP rs2072829618, ClinGen allele CA916080528.